The following is an entry in ClinVar:

ClinVar aggregate classification (germline): Likely pathogenic (0 of 4 stars; one submission).

Conditions:
RASGRP2-related disorder. Also called: RASGRP2-related condition.

Submission:

PreventionGenetics, part of Exact Sciences
Classification: Likely pathogenic for RASGRP2-related condition. Last evaluated: 2024-06-25. Review status: no assertion criteria provided. Collection method: clinical testing. Allele origin: germline.
Comment: The RASGRP2 c.1412+2T>C variant is predicted to disrupt the GT donor site and interfere with normal splicing. To our knowledge, this variant has not been reported in the literature or in a large population database, indicating this variant is rare. Variants that disrupt the consensus splice donor site in RASGRP2 are expected to be pathogenic. This variant is interpreted as likely pathogenic.

NM_001098671.2(RASGRP2):c.1412+2T>C

Gene: RASGRP2 (RAS guanyl releasing protein 2; minus strand). Cytogenetic location: 11q13.1.
Variant type: single nucleotide variant.
Coding change: c.1412+2T>C on transcript NM_001098671.2 (MANE Select); the canonical splice donor site of the intron after coding-DNA position 1412, T replaced by C.
Molecular consequence: splice donor variant.
Genome position (GRCh38, 1-based): chr11:64,735,110, A>G on the plus strand (T>C on the coding strand, the complement: RASGRP2 is on the minus strand). VCF-style: chr11-64735110-A-G. GRCh37 (hg19) VCF-style: chr11-64502582-A-G.
Other names: c.1412+2T>C (NM_153819.2, NM_001440690.1, NM_001440698.1 and 9 more transcripts); c.1409+2T>C (NM_001440702.1, NM_001440701.1, NM_001440700.1); c.1496+2T>C (NM_001440705.1); c.1499+2T>C (NM_001440703.1, NM_001440704.1); c.977+2T>C (NM_001318398.2).
Identifiers: ClinVar variation 3053141 (VCV003053141.2), dbSNP rs2496490002, ClinGen allele CA381136377.